The following is an entry in ClinVar:

NM_000027.4(AGA):c.102_108del (p.Thr33_Trp34insTer)

Gene: AGA (aspartylglucosaminidase; minus strand). Cytogenetic location: 4q34.3.
Variant type: Deletion.
Coding change: c.102_108del on transcript NM_000027.4 (MANE Select); coding-DNA positions 102 to 108, 7 bases deleted (GCCCTTT; older notation c.102_108delGCCCTTT).
Protein change: p.Thr33_Trp34insTer.
Molecular consequence: nonsense. On other transcripts: non-coding transcript variant (1).
Genome position (GRCh38, 1-based): chr4:177,442,268-177,442,274, AAAGGGC deleted on the plus strand (GCCCTTT on the coding strand, the reverse complement: AGA is on the minus strand). VCF-style (leftmost placement, unchanged base first): chr4-177442267-TAAAGGGC-T. GRCh37 (hg19) VCF-style: chr4-178363421-TAAAGGGC-T.
Other names: c.102_108del, p.Thr33_Trp34insTer (NM_001171988.2).
Identifiers: ClinVar variation 224 (VCV000000224.3), dbSNP rs386833417, ClinGen allele CA212726.

ClinVar aggregate classification (germline): Pathogenic/Likely pathogenic. Review status: no assertion criteria provided (0 of 4 stars). 2 submissions from 2 submitters: Pathogenic (1); Likely pathogenic (1). Last evaluated 1991-12-15.

Conditions:
Aspartylglucosaminuria (AGU). Also called: AGA DEFICIENCY; Aspartylglucos-aminuria; Aspartylglucos-amidase (AGA) deficiency; GLYCOASPARAGINASE; GLYCOSYLASPARAGINASE DEFICIENCY. Identifiers: Orphanet 93, MedGen C0268225, MONDO:0008830, OMIM 208400, HP:0012068.

Submissions (2):

OMIM
Classification: Pathogenic for ASPARTYLGLUCOSAMINURIA. Last evaluated: 1991-12-15. Review status: no assertion criteria provided. Collection method: literature only. Allele origin: germline.

Juha Muilu Group; Institute for Molecular Medicine Finland (FIMM)
Classification: Likely pathogenic for Aspartylglycosaminuria. Review status: no assertion criteria provided. Collection method: not provided. Allele origin: unknown.
Comment: FinDis database variant: This variant was not found or characterized by our laboratory, data were collected from public sources: see reference
ClinVar note: Converted during submission from probable-pathogenic to Likely pathogenic.

Literature cited by the submitters: PubMed 1722323 (cited by OMIM).